The following is an entry in ClinVar:

NM_001267550.2(TTN):c.1938+3G>T

Gene: TTN (titin; minus strand). Cytogenetic location: 2q31.2.
Variant type: single nucleotide variant.
Coding change: c.1938+3G>T on transcript NM_001267550.2 (MANE Select); 3 bases into the intron after coding-DNA position 1938, G replaced by T.
Molecular consequence: intron variant.
Genome position (GRCh38, 1-based): chr2:178,789,975, C>A on the plus strand (G>T on the coding strand, the complement: TTN is on the minus strand). VCF-style: chr2-178789975-C-A. GRCh37 (hg19) VCF-style: chr2-179654702-C-A.
Other names: c.1800+3G>T (NM_003319.4, NM_133437.4, NM_133432.3); c.1938+3G>T (NM_133378.4, NM_001256850.1, NM_133379.5).
Identifiers: ClinVar variation 1780386 (VCV001780386.2), dbSNP rs2533771047, ClinGen allele CA2580065210.

ClinVar aggregate classification (germline): Uncertain significance (1 of 4 stars; one submission).

Conditions:
Cardiovascular phenotype. Identifiers: MedGen CN230736.

Submission:

Ambry Genetics
Classification: Uncertain significance for Cardiovascular phenotype. Last evaluated: 2019-11-25. Review status: criteria provided, single submitter. Criteria: Ambry Variant Classification Scheme 2023. Collection method: clinical testing. Allele origin: germline.
Comment: The c.1800+3G>T intronic variant results from a G to T substitution 3 nucleotides after coding exon 10 in the TTN gene. This nucleotide position is highly conserved in available vertebrate species. Using the BDGP and ESEfinder splice site prediction tools, this alteration is predicted to weaken the efficiency of the native splice donor site; however, direct evidence is unavailable. Since supporting evidence is limited at this time, the clinical significance of this alteration remains unclear.